The following is an entry in ClinVar:

NM_005045.4(RELN):c.9729C>T (p.Thr3243=)

Genes: RELN (reelin; minus strand), SLC26A5-AS1 (SLC26A5 antisense RNA 1; plus strand), LOC126860130 (BRD4-independent group 4 enhancer GRCh37_chr7:103130126-103131325; plus strand). Cytogenetic location: 7q22.1.
Variant type: single nucleotide variant.
Coding change: c.9729C>T on transcript NM_005045.4 (MANE Select); coding-DNA position 9729, C replaced by T.
Protein change: p.Thr3243=; no amino-acid change (threonine 3243 retained).
Molecular consequence: synonymous variant.
Genome position (GRCh38, 1-based): chr7:103,489,776, G>A on the plus strand (C>T on the coding strand, the complement: RELN is on the minus strand). VCF-style: chr7-103489776-G-A. GRCh37 (hg19) VCF-style: chr7-103130223-G-A.
Other names: c.9729C>T, p.Thr3243= (NM_173054.3).
Identifiers: ClinVar variation 779829 (VCV000779829.35), dbSNP rs145542111, ClinGen allele CA4420143.

ClinVar aggregate classification (germline): Likely benign. Review status: criteria provided, multiple submitters, no conflicts (2 of 4 stars). 2 submissions from 2 submitters: Likely benign (2). Last evaluated 2025-07-23.

Conditions:
Familial temporal lobe epilepsy 7. Identifiers: Orphanet 101046, MedGen C4225327, MONDO:0014639, OMIM 616436.
Norman-Roberts syndrome (LIS2). Also called: Lissencephaly 2 (Norman-Roberts type). Identifiers: Orphanet 89844, MedGen C0796089, MONDO:0009760, OMIM 257320.

Allele frequency attached by ClinVar (database versions not stated): gnomAD 0.00002 and 0.00003; TOPMed 0.00002; ExAC 0.00003; gnomAD exomes 0.00003; ESP Exome Variant Server 0.00008.
gnomAD v4.1: 37 of 1,614,002 alleles (0.0023%); highest among the groups gnomAD compares: East Asian, 0.016%; no homozygotes.

Submissions (2):

Labcorp Genetics (formerly Invitae), Labcorp
Classification: Likely benign for Familial temporal lobe epilepsy 7; Norman-Roberts syndrome. Last evaluated: 2025-07-23. Review status: criteria provided, single submitter. Criteria: Invitae Variant Classification Sherloc (09022015). Collection method: clinical testing. Allele origin: germline.

CeGaT Center for Human Genetics Tuebingen
Classification: Likely benign. Last evaluated: 2023-10-01. Review status: criteria provided, single submitter. Criteria: CeGaT Center For Human Genetics Tuebingen Variant Classification Criteria Version 2. Collection method: clinical testing. Allele origin: germline. Affected: yes. Observed: 1 variant allele.
Comment: RELN: BP4, BP7